The following is an entry in ClinVar:

ClinVar aggregate classification (germline): Uncertain significance. Review status: criteria provided, single submitter (1 of 4 stars). 2 submissions from 2 submitters: Uncertain significance (1). 1 of the submissions does not count toward it. Last evaluated 2024-05-05.

Conditions:
Ullrich congenital muscular dystrophy 1A. Also called: Ullrich congenital muscular dystrophy 1; Intermediate COL6-RD. Identifiers: Orphanet 75840, MedGen C0410179, MONDO:0009681, OMIM 254090.

Submissions (2):

GeneDx
Classification: Uncertain significance. Last evaluated: 2024-05-05. Review status: criteria provided, single submitter. Criteria: GeneDx Variant Classification Process June 2021. Collection method: clinical testing. Allele origin: germline. Affected: yes.
Comment: Not observed at significant frequency in large population cohorts (gnomAD); In silico analysis supports that this missense variant has a deleterious effect on protein structure/function; Has not been previously published as pathogenic or benign to our knowledge

Hong-Tao Li Lab, Institute of Brain Science and Brain-inspired Research, Shandong First Medical University & Shandong Academy of Medical Sciences China
Classification: Uncertain significance for Ullrich congenital muscular dystrophy 1A. Review status: no assertion criteria provided. Collection method: research. Allele origin: germline. Inheritance: Autosomal dominant inheritance. Affected: yes. Observed: 1 variant allele, 1 heterozygote. Not counted in ClinVar's aggregate classification.
Comment: Observed in affected individuals from a Pakistani neurodevelopmental-disorder research cohort of 263 individuals. Classification assigned using the ACMG/AMP framework. Population-frequency evidence: gnomAD AF 3.19e-05.

NM_001848.3(COL6A1):c.406G>C (p.Gly136Arg)

Gene: COL6A1 (collagen type VI alpha 1 chain; plus strand). Cytogenetic location: 21q22.3.
Variant type: single nucleotide variant.
Coding change: c.406G>C on transcript NM_001848.3 (MANE Select); coding-DNA position 406, G replaced by C.
Protein change: p.Gly136Arg; replaces glycine 136 with arginine.
Molecular consequence: missense variant.
Genome position (GRCh38, 1-based): chr21:45,984,447, G>C. VCF-style: chr21-45984447-G-C. GRCh37 (hg19) VCF-style: chr21-47404361-G-C.
Other names: short protein forms G136R.
Identifiers: ClinVar variation 3375757 (VCV003375757.2).